The following is an entry in ClinVar:

NM_007294.4(BRCA1):c.5278-15C>G

Gene: BRCA1 (BRCA1 DNA repair associated; minus strand). Cytogenetic location: 17q21.31.
Variant type: single nucleotide variant.
Coding change: c.5278-15C>G on transcript NM_007294.4 (MANE Select); 15 bases into the intron before coding-DNA position 5278, C replaced by G.
Molecular consequence: intron variant.
Genome position (GRCh38, 1-based): chr17:43,051,132, G>C on the plus strand (C>G on the coding strand, the complement: BRCA1 is on the minus strand). VCF-style: chr17-43051132-G-C. GRCh37 (hg19) VCF-style: chr17-41203149-G-C.
Other names: c.1705-15C>G (NM_001408496.1, NM_001408499.1, NM_001408498.1 and 3 more transcripts); c.5011-15C>G (NM_001407929.1, NM_001407930.1, NM_001407933.1 and 4 more transcripts); c.5014-15C>G (NM_001407924.1, NM_001407920.1, NM_001407923.1 and 4 more transcripts); c.1825-15C>G (NM_001408460.1, NM_001408465.1, NM_001408463.1 and 7 more transcripts); c.1828-15C>G (NM_001408454.1, NM_001408456.1, NM_001408453.1 and 3 more transcripts); c.5131-15C>G (NM_001407852.1, NM_001407853.1, NM_001407843.1 and 12 more transcripts); c.5134-15C>G (NM_001407750.1, NM_001407732.1, NM_001407733.1 and 21 more transcripts); c.5137-15C>G (NM_001407698.1, NM_001407942.1, NM_001407694.1 and 13 more transcripts); and 74 more.
Identifiers: ClinVar variation 867935 (VCV000867935.3), dbSNP rs1320766010, ClinGen allele CA916081082.

Conditions:
Breast-ovarian cancer, familial, susceptibility to, 1 (BROVCA1). Also called: BRCA1 Hereditary Breast and Ovarian Cancer; OVARIAN CANCER, SUSCEPTIBILITY TO. Identifiers: Orphanet 145, MedGen C2676676, MONDO:0011450, OMIM 604370. Disease mechanism: loss of function.

Submission:

Brotman Baty Institute, University of Washington
No classification provided (evidence only). Condition: Breast-ovarian cancer, familial 1. Review status: no classification provided. Collection method: in vitro. Allele origin: not applicable. Functional consequence: functionally_abnormal.
ClinVar note: "not provided" was previously submitted as the classification for the variant. However, the classification appeared to be based only on an observation of functional data so it was converted to no classification on 2025-07-30.